The following is an entry in ClinVar:

NM_181523.3(PIK3R1):c.1568+5G>A

Gene: PIK3R1 (phosphoinositide-3-kinase regulatory subunit 1; plus strand). Cytogenetic location: 5q13.1.
Variant type: single nucleotide variant.
Coding change: c.1568+5G>A on transcript NM_181523.3 (MANE Select); 5 bases into the intron after coding-DNA position 1568, G replaced by A.
Molecular consequence: intron variant.
Genome position (GRCh38, 1-based): chr5:68,294,683, G>A. VCF-style: chr5-68294683-G-A. GRCh37 (hg19) VCF-style: chr5-67590511-G-A.
Other names: c.668+5G>A (NM_181524.2); c.758+5G>A (NM_181504.4); c.479+5G>A (NM_001242466.2).
Identifiers: ClinVar variation 3752558 (VCV003752558.2).
Genomic context (GRCh38, chr5:68,294,683, plus strand): 5'-AGCAAAGAATACATAGAAAAGTTTAAACGTGAAGGCAATGAGAAAGAAATACAAAGGTTG[G>A]TGTTTCCCTTGTTCTTGTGCTAGAGATAACCAAAATCCTCTAAAACCATTTAAAGATGAT-3'

ClinVar aggregate classification (germline): Uncertain significance (1 of 4 stars; one submission).

Conditions:
Agammaglobulinemia 7, autosomal recessive (AGM7). Also called: AGAMMAGLOBULINEMIA, AUTOSOMAL RECESSIVE, DUE TO PIK3R1 DEFECT. Identifiers: MedGen C3554689, MONDO:0014083, OMIM 615214.
Immunodeficiency 36 with lymphoproliferation. Also called: Immunodeficiency 36; ACTIVATED PI3K-DELTA SYNDROME 2; Activated PI3K Delta Syndrome Type 2 (APDS2). Identifiers: Orphanet 397596, Orphanet 693681, MedGen C4014934, MONDO:0014453, OMIM 616005.
SHORT syndrome. Also called: SHORT STATURE, HYPEREXTENSIBILITY, HERNIA, OCULAR DEPRESSION, RIEGER ANOMALY, AND TEETHING DELAY; LIPODYSTROPHY, PARTIAL, WITH RIEGER ANOMALY AND SHORT STATURE; PIK3R1-Related SHORT Syndrome. Identifiers: Orphanet 3163, MedGen C0878684, MONDO:0010026, OMIM 269880.

Submission:

Labcorp Genetics (formerly Invitae), Labcorp
Classification: Uncertain significance for SHORT syndrome; Immunodeficiency 36 with lymphoproliferation; Agammaglobulinemia 7, autosomal recessive. Last evaluated: 2024-08-08. Review status: criteria provided, single submitter. Criteria: Invitae Variant Classification Sherloc (09022015). Collection method: clinical testing. Allele origin: germline.
Comment: This sequence change falls in intron 12 of the PIK3R1 gene. It does not directly change the encoded amino acid sequence of the PIK3R1 protein. It affects a nucleotide within the consensus splice site. The frequency data for this variant in the population databases is considered unreliable, as metrics indicate poor data quality at this position in the gnomAD database. This variant has not been reported in the literature in individuals affected with PIK3R1-related conditions. Variants that disrupt the consensus splice site are a relatively common cause of aberrant splicing (PMID: 17576681, 9536098). Algorithms developed to predict the effect of sequence changes on RNA splicing suggest that this variant may disrupt the consensus splice site. In summary, the available evidence is currently insufficient to determine the role of this variant in disease. Therefore, it has been classified as a Variant of Uncertain Significance.

Literature cited by the submitters: PubMed 17576681; PubMed 9536098.